The following is an entry in ClinVar:

NM_004738.5(VAPB):c.*1347A>G

Gene: VAPB (VAMP associated protein B and C; plus strand). Cytogenetic location: 20q13.32.
Variant type: single nucleotide variant.
Coding change: c.*1347A>G on transcript NM_004738.5 (MANE Select); 1347 bases downstream of the stop codon, A replaced by G.
Molecular consequence: 3 prime UTR variant. On other transcripts: non-coding transcript variant (1).
Genome position (GRCh38, 1-based): chr20:58,445,582, A>G. VCF-style: chr20-58445582-A-G. GRCh37 (hg19) VCF-style: chr20-57020638-A-G.
Other names: c.*1417A>G (NM_001195677.2).
Identifiers: ClinVar variation 897996 (VCV000897996.5), dbSNP rs192710529, ClinGen allele CA9924436.
Genomic context (GRCh38, chr20:58,445,582, plus strand): 5'-AAAAATTATAATAAAGCCCCAAAATTAAGAATTCTTTTGTCATTTTGTCACATTTGCTCT[A>G]TGGGGGGAATTATTATTTTATCATTTTTATTATTTTGCCATTGGAAGGTTAACTTTAAAA-3'

ClinVar aggregate classification (germline): Likely benign. Review status: criteria provided, single submitter (1 of 4 stars). 2 submissions from 1 submitter: Likely benign (2). Last evaluated 2018-01-13.

Conditions:
Adult-onset proximal spinal muscular atrophy, autosomal dominant. Also called: FINKEL LATE-ADULT TYPE SMA; Spinal muscular atrophy, late-onset, finkel type. Identifiers: Orphanet 209335, MedGen C1854058, MONDO:0008453, OMIM 182980.
Amyotrophic lateral sclerosis type 8 (ALS8). Identifiers: Orphanet 803, MedGen C1837728, MONDO:0012077, OMIM 608627.

Allele frequency attached by ClinVar (database versions not stated): TOPMed 0.00045; ExAC 0.00081; gnomAD 0.00059 and 0.00060; gnomAD exomes 0.00061; 1000 Genomes Project 30x 0.00062; 1000 Genomes Project 0.00080.
gnomAD v4.1: 338 of 454,310 alleles (0.074%); highest among the groups gnomAD compares: South Asian, 0.14%; 2 homozygotes.

Submissions (2):

Illumina Laboratory Services, Illumina
Classification: Likely benign for Adult-onset proximal spinal muscular atrophy, autosomal dominant. Last evaluated: 2018-01-13. Review status: criteria provided, single submitter. Criteria: ICSL Variant Classification Criteria 13 December 2019. Collection method: clinical testing. Allele origin: germline.
Comment: This variant was observed in the ICSL laboratory as part of a predisposition screen in an ostensibly healthy population. It had not been previously curated by ICSL or reported in the Human Gene Mutation Database (HGMD: prior to June 1st, 2018), and was therefore a candidate for classification through an automated scoring system. Utilizing variant allele frequency, disease prevalence and penetrance estimates, and inheritance mode, an automated score was calculated to assess if this variant is too frequent to cause the disease. Based on the score and internal cut-off values, a variant classified as likely benign is not then subjected to further curation. The score for this variant resulted in a classification of likely benign for this disease.

Illumina Laboratory Services, Illumina
Classification: Likely benign for Amyotrophic lateral sclerosis type 8. Last evaluated: 2018-01-13. Review status: criteria provided, single submitter. Criteria: ICSL Variant Classification Criteria 13 December 2019. Collection method: clinical testing. Allele origin: germline.
Comment: the same text as in the submission from Illumina Laboratory Services, Illumina above.